The following is an entry in ClinVar:

NM_007055.4(POLR3A):c.3283G>A (p.Ala1095Thr)

Genes: POLR3A (RNA polymerase III subunit A; minus strand), LOC126860970 (BRD4-independent group 4 enhancer GRCh37_chr10:79743812-79745011; plus strand). Cytogenetic location: 10q22.3.
Variant type: single nucleotide variant.
Coding change: c.3283G>A on transcript NM_007055.4 (MANE Select); coding-DNA position 3283, G replaced by A.
Protein change: p.Ala1095Thr; replaces alanine 1095 with threonine.
Molecular consequence: missense variant.
Genome position (GRCh38, 1-based): chr10:77,984,258, C>T on the plus strand (G>A on the coding strand, the complement: POLR3A is on the minus strand). VCF-style: chr10-77984258-C-T. GRCh37 (hg19) VCF-style: chr10-79744016-C-T.
Other names: short protein forms A1095T.
Identifiers: ClinVar variation 1030184 (VCV001030184.1), dbSNP rs1468734464, ClinGen allele CA377330393.
Genomic context (GRCh38, chr10:77,984,258, plus strand): 5'-TTCTTACCTCTCCCAAGAGGGTTTTCTCAATTCTCCCTTTCACGAGGCGAGCATAATCCG[C>T]GTCGTCATCCTTGTCTAGCTGTGCTGTGATAATTGGAGTGCTGTTGAGAAGCAAAGGAAA-3'
Protein context (NP_008986.2, residues 1085-1105): ITAQLDKDDD[Ala1095Thr]DYARLVKGRI

ClinVar aggregate classification (germline): Uncertain significance (1 of 4 stars; one submission).

Conditions:
Leukodystrophy, hypomyelinating, 7, with or without oligodontia and/or hypogonadotropic hypogonadism (HLD7). Also called: LEUKODYSTROPHY, HYPOMYELINATING, 7, WITH OLIGODONTIA; LEUKODYSTROPHY, HYPOMYELINATING, 7, WITH OLIGODONTIA AND HYPOGONADOTROPIC HYPOGONADISM; LEUKODYSTROPHY, HYPOMYELINATING, 7, WITHOUT OLIGODONTIA OR HYPOGONADOTROPIC HYPOGONADISM; LEUKOENCEPHALOPATHY, HYPOMYELINATING, WITH ATAXIA AND DELAYED DENTITION; ATAXIA, DELAYED DENTITION, AND HYPOMYELINATION; Ataxia, Delayed Dentition and Hypomyelination (ADDH). Identifiers: Orphanet 137639, Orphanet 447893, Orphanet 447896, Orphanet 77295, Orphanet 88637, MedGen CN034185, MONDO:0011897, OMIM 607694.

Allele frequency attached by ClinVar (database versions not stated): gnomAD exomes below 0.00001; TOPMed 0.00003; gnomAD 0.00004.
gnomAD v4.1: 12 of 1,613,288 alleles (0.00074%); highest among the groups gnomAD compares: African/African-American, 0.011%; no homozygotes.

Submission:

Baylor Genetics
Classification: Uncertain significance for Leukodystrophy, hypomyelinating, 7, with or without oligodontia and/or hypogonadotropic hypogonadism. Last evaluated: 2019-04-05. Review status: criteria provided, single submitter. Criteria: ACMG Guidelines, 2015. Collection method: clinical testing. Allele origin: maternal. Affected: yes.
Comment: This variant was determined to be of uncertain significance according to ACMG Guidelines, 2015 [PMID:25741868].